The following is an entry in ClinVar:

ClinVar aggregate classification (germline): Uncertain significance (1 of 4 stars; one submission).

Conditions:
Primary ciliary dyskinesia. Also called: Ciliary dyskinesia. Identifiers: Orphanet 244, MedGen C0008780, MONDO:0016575, HP:0012265.

Allele frequency attached by ClinVar (database versions not stated): gnomAD exomes below 0.00001; TOPMed below 0.00001; gnomAD 0.00001.
gnomAD v4.1: 3 of 1,613,104 alleles (0.00019%); highest among the groups gnomAD compares: Admixed American, 0.0017%; no homozygotes.

Submission:

Labcorp Genetics (formerly Invitae), Labcorp
Classification: Uncertain significance for Primary ciliary dyskinesia. Last evaluated: 2018-06-28. Review status: criteria provided, single submitter. Criteria: Invitae Variant Classification Sherloc (09022015). Collection method: clinical testing. Allele origin: germline.
Comment: In summary, the available evidence is currently insufficient to determine the role of this variant in disease. Therefore, it has been classified as a Variant of Uncertain Significance. Algorithms developed to predict the effect of missense changes on protein structure and function (SIFT, PolyPhen-2, Align-GVGD) all suggest that this variant is likely to be disruptive, but these predictions have not been confirmed by published functional studies and their clinical significance is uncertain. This variant has not been reported in the literature in individuals with DNAH11-related disease. This variant is not present in population databases (ExAC no frequency). This sequence change replaces leucine with proline at codon 3473 of the DNAH11 protein (p.Leu3473Pro). The leucine residue is highly conserved and there is a moderate physicochemical difference between leucine and proline.

NM_001277115.2(DNAH11):c.10418T>C (p.Leu3473Pro)

Gene: DNAH11 (dynein axonemal heavy chain 11; plus strand). Cytogenetic location: 7p15.3.
Variant type: single nucleotide variant.
Coding change: c.10418T>C on transcript NM_001277115.2 (MANE Select); coding-DNA position 10418, T replaced by C.
Protein change: p.Leu3473Pro; replaces leucine 3473 with proline.
Molecular consequence: missense variant.
Genome position (GRCh38, 1-based): chr7:21,816,552, T>C. VCF-style: chr7-21816552-T-C. GRCh37 (hg19) VCF-style: chr7-21856170-T-C.
Other names: short protein forms L3473P.
Identifiers: ClinVar variation 579809 (VCV000579809.8), dbSNP rs1283113333, ClinGen allele CA366948407.
Genomic context (GRCh38, chr7:21,816,552, plus strand): 5'-TGGACTTGATATCCATGTTGACGGATGATGCTACAATTGCCGCCTGGAATAACGAAGGAC[T>C]GCCCAGTGACAGAATGTCCACCGAAAATGCCGCTATCCTAACACACTGTGAGCGCTGGCC-3'
Protein context (NP_001264044.1, residues 3463-3483): ATIAAWNNEG[Leu3473Pro]PSDRMSTENA